The following is an entry in ClinVar:

GRCh38/hg38 9p22.2-22.1(chr9:16789026-19163209)x3

Genes: MIR3152 (microRNA 3152; plus strand), PLIN2 (perilipin 2; minus strand), RRAGA (Ras related GTP binding A; plus strand), SAXO1 (stabilizer of axonemal microtubules 1; minus strand), SCARNA8 (small Cajal body-specific RNA 8; minus strand) and 19 more. Cytogenetic location: 9p22.2-22.1.
Variant type: copy number gain.
Change: copy number 3 (three copies instead of two) of chr9:16,789,026-19,163,209 (2.37 Mb, GRCh38 coordinates, 1-based), cytogenetic band 9p22.2-22.1.
Identifiers: ClinVar variation 5038321 (VCV005038321.1).

ClinVar aggregate classification (germline): Uncertain significance (1 of 4 stars; one submission).

Submission:

Clinical Genomics Laboratory, Laboratory for Precision Diagnostics, University of Washington
Classification: Uncertain significance. Last evaluated: 2025-12-01. Review status: criteria provided, single submitter. Criteria: ACMG/ClinGen CNV Guidelines, 2019. Collection method: clinical testing. Allele origin: unknown. Affected: yes. Observed: 1 variant allele.
Comment: This interstitial duplication is approximately 2.37 Mb in size and affects 8 protein-coding genes. None of the genes in this region are known to cause medical problems in humans when an extra copy is present (triplosensitivity), and this is not a known triplosensitive genomic region. The distal breakpoint of the duplication lies within BNC2 (OMIM 608669). It is unknown whether this duplication would disrupt BNC2 or affect its expression. BNC2 is associated with autosomal dominant lower urinary tract obstruction (OMIM 618612), and the mechanism of pathogenicity may be loss of function. A review of public databases (ClinVar, DECIPHER) and the medical literature shows no reports of similar duplications. No similar duplications appear in the Database of Genomic Variants (DGV). gnomAD v4.1 has a larger duplication of 5.85 Mb that spans this region (DUP_CHR9_C0552E8C), seen in 1 out of 126,076 alleles.